The following is an entry in ClinVar:

NM_001164508.2(NEB):c.11024dup (p.Asp3676fs)

Gene: NEB (nebulin; minus strand). Cytogenetic location: 2q23.3.
Variant type: Duplication.
Coding change: c.11024dup on transcript NM_001164508.2 (MANE Select); coding-DNA position 11024, one base duplicated (C; older notation c.11024dupC).
Protein change: p.Asp3676fs; shifts the reading frame from aspartic acid 3676.
Molecular consequence: frameshift variant.
Genome position (GRCh38, 1-based): chr2:151,618,327, G duplicated on the plus strand (C on the coding strand, the reverse complement: NEB is on the minus strand). VCF-style (leftmost placement, unchanged base first): chr2-151618326-C-CG. GRCh37 (hg19) VCF-style: chr2-152474840-C-CG.
Other names: NM_001164508.2(NEB):c.11024dup; p.Asp3676fs; c.11024dup, p.Asp3676fs (NM_001164507.2, NM_001271208.2); c.10295dup, p.Asp3433fs (NM_004543.5); c.11024dup (NM_001271208.1); short protein forms D3433fs, D3676fs.
Identifiers: ClinVar variation 1076427 (VCV001076427.11), dbSNP rs1560500587, ClinGen allele CA537030429.

ClinVar aggregate classification (germline): Pathogenic/Likely pathogenic. Review status: criteria provided, multiple submitters, no conflicts (2 of 4 stars). 4 submissions from 4 submitters: Pathogenic (3); Likely pathogenic (1). Last evaluated 2025-08-14.

Conditions:
Nemaline myopathy 2 (NEM2). Also called: Nemaline myopathy 2, autosomal recessive. Identifiers: MedGen C1850569, MONDO:0009725, OMIM 256030.
Nemaline myopathy. Also called: Myopathies, Nemaline. Identifiers: Orphanet 607, MedGen C0206157, MONDO:0018958.
Arthrogryposis multiplex congenita 6. Identifiers: MedGen C5543431, MONDO:0030281, OMIM 619334.

Allele frequency attached by ClinVar (database versions not stated): gnomAD exomes below 0.00001.

Submissions (4):

Myriad Genetics, Inc.
Classification: Pathogenic for Nemaline myopathy 2. Last evaluated: 2025-08-14. Review status: criteria provided, single submitter. Criteria: Myriad Autosomal Dominant, Autosomal Recessive and X-Linked Classification Criteria (2023). Collection method: clinical testing. Allele origin: unknown.
Comment: NM_001271208.1(NEB):c.11024dupC(D3676Gfs*17) is a frameshift variant classified as pathogenic in the context of NEB-related nemaline myopathy. D3676Gfs*17 has been observed in a case with relevant disease (PMID: 35821219). Relevant functional assessments of this variant are not available in the literature. D3676Gfs*17 has been observed in referenced population frequency databases. In summary, NM_001271208.1(NEB):c.11024dupC(D3676Gfs*17) is a frameshift variant in a gene where loss of function is a known mechanism of disease, is predicted to disrupt protein function, and has been observed more frequently in cases with the relevant disease than in healthy populations. Please note: this variant was assessed in the context of healthy population screening.

Broad Center for Mendelian Genomics, Broad Institute of MIT and Harvard
Classification: Pathogenic for Nemaline myopathy. Last evaluated: 2025-03-17. Review status: criteria provided, single submitter. Criteria: ACMG Guidelines, 2015. Collection method: curation. Allele origin: germline. Inheritance: Autosomal recessive inheritance.
Comment: The p.Asp3676GlyfsTer17 variant in NEB has been reported, in the compound heterozygous state, in one individual with nemaline myopathy (PMID: 35821219), and has been identified in 0.003% (1/39696) of East Asian chromosomes. by the Genome Aggregation Database (gnomAD; dbSNP ID: rs199789085). Although this variant has been seen in the general population in a heterozygous state, its frequency is low enough to be consistent with a recessive carrier frequency. This variant has also been reported in ClinVar (Variation ID: 1076427) and has been interpreted as pathogenic by Invitae. This variant is predicted to cause a frameshift, which alters the protein‚Äôs amino acid sequence beginning at position 3676 and leads to a premature termination codon 17 amino acids downstream. This alteration is then predicted to lead to a truncated or absent protein. Loss of function of the NEB gene is an established disease mechanism in autosomal recessive nemaline myopathy. In summary, this variant meets criteria to be classified as pathogenic for autosomal recessive nemaline myopathy. ACMG/AMP Criteria applied: PVS1, PM3_supporting, PM2_supporting (Richards 2015).

Labcorp Genetics (formerly Invitae), Labcorp
Classification: Pathogenic for Nemaline myopathy 2. Last evaluated: 2024-06-25. Review status: criteria provided, single submitter. Criteria: Invitae Variant Classification Sherloc (09022015). Collection method: clinical testing. Allele origin: germline.
Comment: This sequence change creates a premature translational stop signal (p.Asp3676Glyfs*17) in the NEB gene. It is expected to result in an absent or disrupted protein product. Loss-of-function variants in NEB are known to be pathogenic (PMID: 25205138). This variant is present in population databases (no rsID available, gnomAD 0.006%). This variant has not been reported in the literature in individuals affected with NEB-related conditions. ClinVar contains an entry for this variant (Variation ID: 1076427). For these reasons, this variant has been classified as Pathogenic.

Baylor Genetics
Classification: Likely pathogenic for Arthrogryposis multiplex congenita 6. Last evaluated: 2024-03-11. Review status: criteria provided, single submitter. Criteria: ACMG Guidelines, 2015. Collection method: clinical testing. Allele origin: unknown.

Literature cited by the submitters: PubMed 35821219 (cited by Myriad Genetics, Inc.); PubMed 25205138 (cited by Labcorp Genetics (formerly Invitae), Labcorp).